The following is an entry in ClinVar:

ClinVar aggregate classification (germline): Pathogenic (1 of 4 stars; one submission).

Conditions:
Primary ciliary dyskinesia. Also called: Ciliary dyskinesia. Identifiers: Orphanet 244, MedGen C0008780, MONDO:0016575, HP:0012265.

Submission:

Institute Of Molecular Biology And Genetics, Federal Almazov National Medical Research Centre
Classification: Pathogenic for Primary ciliary dyskinesia. Last evaluated: 2023-12-11. Review status: criteria provided, single submitter. Criteria: ACMG Guidelines, 2015. Collection method: clinical testing. Allele origin: germline. Affected: yes. Observed: 2 variant alleles.
Comment: The c.4231_4235del variant is 5-bp deletion that creates a premature termination codon (p.His1411Alafs*13) in the DNAH11 gene and is expected to result in an absent or disrupted protein product. To our knowledge, the variant has not been previously reported either in healthy populations (no allele frequency in gnomAD), or in association with primary ciliary dyskinesia. For these reasons, this variant has been classified as Pathogenic.

NM_001277115.2(DNAH11):c.4231_4235del (p.His1411fs)

Gene: DNAH11 (dynein axonemal heavy chain 11; plus strand). Cytogenetic location: 7p15.3.
Variant type: Deletion.
Coding change: c.4231_4235del on transcript NM_001277115.2 (MANE Select); coding-DNA positions 4231 to 4235, 5 bases deleted (CACCA; older notation c.4231_4235delCACCA).
Protein change: p.His1411fs; shifts the reading frame from histidine 1411.
Molecular consequence: frameshift variant.
Genome position (GRCh38, 1-based): chr7:21,617,754-21,617,758, CACCA deleted. VCF-style (leftmost placement, unchanged base first): chr7-21617753-GCACCA-G. GRCh37 (hg19) VCF-style: chr7-21657371-GCACCA-G.
Other names: c.4246_4250delCACCA, p.His1416Alafs (NM_003777.3); short protein forms H1411fs.
Identifiers: ClinVar variation 2671842 (VCV002671842.2), dbSNP rs2534699942, ClinGen allele CA2695198460.